The following is an entry in ClinVar:

NM_000301.5(PLG):c.1877+1G>T

Genes: PLG (plasminogen; plus strand), LOC126859861 (CDK7 strongly-dependent group 2 enhancer GRCh37_chr6:161158745-161159944; plus strand). Cytogenetic location: 6q26.
Variant type: single nucleotide variant.
Coding change: c.1877+1G>T on transcript NM_000301.5 (MANE Select); the canonical splice donor site of the intron after coding-DNA position 1877, G replaced by T.
Molecular consequence: splice donor variant.
Genome position (GRCh38, 1-based): chr6:160,738,613, G>T. VCF-style: chr6-160738613-G-T. GRCh37 (hg19) VCF-style: chr6-161159645-G-T.
Other names: splice site.
Identifiers: ClinVar variation 4871896 (VCV004871896.1).

ClinVar aggregate classification (germline): Likely pathogenic (1 of 4 stars; one submission).

Conditions:
Plasminogen deficiency, type I. Also called: Type 1 plasminogen deficiency; Hypoplasminogenemia. Identifiers: Orphanet 722, MedGen C1968804, MONDO:0009009, OMIM 217090.

Submission:

Centre for Mendelian Genomics, University Medical Centre Ljubljana
Classification: Likely pathogenic for Plasminogen deficiency, type I. Last evaluated: 2026-07-22. Review status: criteria provided, single submitter. Criteria: ACMG Guidelines, 2015. Collection method: clinical testing. Allele origin: germline. Affected: yes. Observed: 1 variant allele.
Comment: The c.1877+1G>T variant in PLG is anticipated to result in loss of function of the PLG protein or exon skipping, an established mechanism of congenital plasminogen deficiency, type I [PVS1_MOD]. The variant is absent from control populations in gnomAD [PM2], and the finding is consistent with the referral clinical presentation [PP4]. Based on the evidence presented above, we classify this variant as likely pathogenic.